The following is an entry in ClinVar:

ClinVar aggregate classification (germline): Uncertain significance. Review status: criteria provided, multiple submitters, no conflicts (2 of 4 stars). 2 submissions from 2 submitters: Uncertain significance (2). Last evaluated 2022-02-04.

Conditions:
Usher syndrome type 2C. Also called: Usher syndrome, type 2B; USHER SYNDROME, TYPE IIC. Identifiers: Orphanet 231178, Orphanet 886, MedGen C2931213, MONDO:0011558, OMIM 605472.

Allele frequency attached by ClinVar (database versions not stated): gnomAD exomes below 0.00001.
gnomAD v4.1: 2 of 1,613,924 alleles (0.00012%); highest among the groups gnomAD compares: East Asian, 0.0045%; no homozygotes.

Submissions (2):

Labcorp Genetics (formerly Invitae), Labcorp
Classification: Uncertain significance. Last evaluated: 2022-02-04. Review status: criteria provided, single submitter. Criteria: Invitae Variant Classification Sherloc (09022015). Collection method: clinical testing. Allele origin: germline.
Comment: This sequence change replaces threonine, which is neutral and polar, with isoleucine, which is neutral and non-polar, at codon 5159 of the ADGRV1 protein (p.Thr5159Ile). This variant is present in population databases (no rsID available, gnomAD 0.006%). This variant has not been reported in the literature in individuals affected with ADGRV1-related conditions. ClinVar contains an entry for this variant (Variation ID: 905035). Algorithms developed to predict the effect of missense changes on protein structure and function output the following: SIFT: "Tolerated"; PolyPhen-2: "Possibly Damaging"; Align-GVGD: "Class C0". The isoleucine amino acid residue is found in multiple mammalian species, which suggests that this missense change does not adversely affect protein function. In summary, the available evidence is currently insufficient to determine the role of this variant in disease. Therefore, it has been classified as a Variant of Uncertain Significance.

Illumina Laboratory Services, Illumina
Classification: Uncertain significance for Usher syndrome type 2C. Last evaluated: 2018-01-12. Review status: criteria provided, single submitter. Criteria: ICSL Variant Classification Criteria 13 December 2019. Collection method: clinical testing. Allele origin: germline.

NM_032119.4(ADGRV1):c.15476C>T (p.Thr5159Ile)

Gene: ADGRV1 (adhesion G protein-coupled receptor V1; plus strand). Cytogenetic location: 5q14.3.
Variant type: single nucleotide variant.
Coding change: c.15476C>T on transcript NM_032119.4 (MANE Select); coding-DNA position 15476, C replaced by T.
Protein change: p.Thr5159Ile; replaces threonine 5159 with isoleucine.
Molecular consequence: missense variant. On other transcripts: non-coding transcript variant (1).
Genome position (GRCh38, 1-based): chr5:90,810,736, C>T. VCF-style: chr5-90810736-C-T. GRCh37 (hg19) VCF-style: chr5-90106553-C-T.
Other names: short protein forms T5159I.
Identifiers: ClinVar variation 905035 (VCV000905035.9), dbSNP rs1472004831, ClinGen allele CA360409688.